The following is an entry in ClinVar:

ClinVar aggregate classification (germline): Uncertain significance (1 of 4 stars; one submission).

Conditions:
Arrhythmogenic right ventricular dysplasia 9 (ARVD9). Also called: Arrhythmogenic Right Ventricular Dysplasia/Cardiomyopathy 9; ARRHYTHMOGENIC RIGHT VENTRICULAR DYSPLASIA, FAMILIAL, 9. Identifiers: MedGen C1836906, MONDO:0012180, OMIM 609040.

gnomAD v4.1: 2 of 1,614,120 alleles (0.00012%); highest among the groups gnomAD compares: South Asian, 0.0011%; no homozygotes.

Submission:

Labcorp Genetics (formerly Invitae), Labcorp
Classification: Uncertain significance for Arrhythmogenic right ventricular dysplasia 9. Last evaluated: 2024-06-16. Review status: criteria provided, single submitter. Criteria: Invitae Variant Classification Sherloc (09022015). Collection method: clinical testing. Allele origin: germline.
Comment: This sequence change replaces cysteine, which is neutral and slightly polar, with tryptophan, which is neutral and slightly polar, at codon 607 of the PKP2 protein (p.Cys607Trp). This variant is present in population databases (no rsID available, gnomAD 0.003%). This variant has not been reported in the literature in individuals affected with PKP2-related conditions. An algorithm developed to predict the effect of missense changes on protein structure and function (PolyPhen-2) suggests that this variant is likely to be disruptive. In summary, the available evidence is currently insufficient to determine the role of this variant in disease. Therefore, it has been classified as a Variant of Uncertain Significance.

NM_001005242.3(PKP2):c.1689T>G (p.Cys563Trp)

Gene: PKP2 (plakophilin 2; minus strand). Cytogenetic location: 12p11.21.
Variant type: single nucleotide variant.
Coding change: c.1689T>G on transcript NM_001005242.3 (MANE Select); coding-DNA position 1689, T replaced by G.
Protein change: p.Cys563Trp; replaces cysteine 563 with tryptophan.
Molecular consequence: missense variant. On other transcripts: intron variant (1).
Genome position (GRCh38, 1-based): chr12:32,822,617, A>C on the plus strand (T>G on the coding strand, the complement: PKP2 is on the minus strand). VCF-style: chr12-32822617-A-C. GRCh37 (hg19) VCF-style: chr12-32975551-A-C.
Other names: c.1362T>G, p.Cys454Trp (NM_001407158.1, NM_001407159.1, NM_001407160.1 and 1 more transcripts); c.1689T>G, p.Cys563Trp (NM_001407161.1, NM_001407155.1); c.1821T>G, p.Cys607Trp (NM_004572.4, NM_001407157.1); c.1675-1088T>G (NM_001407156.1); short protein forms C454W, C563W, C607W.
Identifiers: ClinVar variation 3618603 (VCV003618603.2).